The following is an entry in ClinVar:

ClinVar aggregate classification (germline): Likely benign. Review status: criteria provided, multiple submitters, no conflicts (2 of 4 stars). 2 submissions from 2 submitters: Likely benign (2). Last evaluated 2026-03-01.

Conditions:
Fanconi anemia (FA). Also called: Fanconi's anemia. Identifiers: Orphanet 84, MedGen C0015625, MeSH D005199, MONDO:0019391.

Allele frequency attached by ClinVar (database versions not stated): gnomAD exomes 0.00002 and 0.00004; ExAC 0.00003; ESP Exome Variant Server 0.00015; gnomAD 0.00015 and 0.00016; 1000 Genomes Project 30x 0.00016; 1000 Genomes Project 0.00020; TOPMed 0.00023.

Submissions (2):

CeGaT Center for Human Genetics Tuebingen
Classification: Likely benign. Last evaluated: 2026-03-01. Review status: criteria provided, single submitter. Criteria: CeGaT Center For Human Genetics Tuebingen Variant Classification Criteria Version 2. Collection method: clinical testing. Allele origin: germline. Affected: yes. Observed: 1 variant allele.
Comment: FANCF: BP4, BP7

Labcorp Genetics (formerly Invitae), Labcorp
Classification: Likely benign for Fanconi anemia. Last evaluated: 2025-12-29. Review status: criteria provided, single submitter. Criteria: Invitae Variant Classification Sherloc (09022015). Collection method: clinical testing. Allele origin: germline.

NM_022725.4(FANCF):c.837A>G (p.Thr279=)

Gene: FANCF (FA complementation group F; minus strand). Cytogenetic location: 11p14.3.
Variant type: single nucleotide variant.
Coding change: c.837A>G on transcript NM_022725.4 (MANE Select); coding-DNA position 837, A replaced by G.
Protein change: p.Thr279=; no amino-acid change (threonine 279 retained).
Molecular consequence: synonymous variant.
Genome position (GRCh38, 1-based): chr11:22,624,974, T>C on the plus strand (A>G on the coding strand, the complement: FANCF is on the minus strand). VCF-style: chr11-22624974-T-C. GRCh37 (hg19) VCF-style: chr11-22646520-T-C.
Identifiers: ClinVar variation 696462 (VCV000696462.14), dbSNP rs183269887, ClinGen allele CA5924249.